The following is an entry in ClinVar:

ClinVar aggregate classification (germline): Uncertain significance (1 of 4 stars; one submission).

Conditions:
Asphyxiating thoracic dystrophy 5 (SRTD5). Also called: SHORT-RIB THORACIC DYSPLASIA 5 WITH OR WITHOUT POLYDACTYLY; SHORT-RIB THORACIC DYSPLASIA 5 WITHOUT POLYDACTYLY. Identifiers: Orphanet 474, MedGen C3280598, MONDO:0013717, OMIM 614376.
Senior-Loken syndrome 8 (SLSN8). Identifiers: Orphanet 3156, MedGen C4225376, MONDO:0014579, OMIM 616307.

gnomAD v4.1: 1 of 1,605,442 alleles (0.000062%); highest among the groups gnomAD compares: Non-Finnish European, 0.000085%; no homozygotes.

Submission:

Labcorp Genetics (formerly Invitae), Labcorp
Classification: Uncertain significance for Senior-Loken syndrome 8; Asphyxiating thoracic dystrophy 5. Last evaluated: 2021-04-19. Review status: criteria provided, single submitter. Criteria: Invitae Variant Classification Sherloc (09022015). Collection method: clinical testing. Allele origin: germline.
Comment: This variant is not present in population databases (ExAC no frequency). In summary, the available evidence is currently insufficient to determine the role of this variant in disease. Therefore, it has been classified as a Variant of Uncertain Significance. Algorithms developed to predict the effect of missense changes on protein structure and function (SIFT, PolyPhen-2, Align-GVGD) all suggest that this variant is likely to be disruptive, but these predictions have not been confirmed by published functional studies and their clinical significance is uncertain. This variant has not been reported in the literature in individuals with WDR19-related conditions. This sequence change replaces arginine with serine at codon 1174 of the WDR19 protein (p.Arg1174Ser). The arginine residue is highly conserved and there is a moderate physicochemical difference between arginine and serine.

NM_025132.4(WDR19):c.3520C>A (p.Arg1174Ser)

Gene: WDR19 (WD repeat domain 19; plus strand). Cytogenetic location: 4p14.
Variant type: single nucleotide variant.
Coding change: c.3520C>A on transcript NM_025132.4 (MANE Select); coding-DNA position 3520, C replaced by A.
Protein change: p.Arg1174Ser; replaces arginine 1174 with serine.
Molecular consequence: missense variant.
Genome position (GRCh38, 1-based): chr4:39,273,016, C>A. VCF-style: chr4-39273016-C-A. GRCh37 (hg19) VCF-style: chr4-39274636-C-A.
Other names: c.3040C>A, p.Arg1014Ser (NM_001317924.2); short protein forms R1014S, R1174S.
Identifiers: ClinVar variation 1484810 (VCV001484810.8), dbSNP rs755139948, ClinGen allele CA356647320.